The following is an entry in ClinVar:

NM_020949.3(SLC7A14):c.259G>A (p.Val87Ile)

Genes: SLC7A14 (solute carrier family 7 member 14; minus strand), SLC7A14-AS1 (SLC7A14 antisense RNA 1; plus strand). Cytogenetic location: 3q26.2.
Variant type: single nucleotide variant.
Coding change: c.259G>A on transcript NM_020949.3 (MANE Select); coding-DNA position 259, G replaced by A.
Protein change: p.Val87Ile; replaces valine 87 with isoleucine.
Molecular consequence: missense variant.
Genome position (GRCh38, 1-based): chr3:170,526,678, C>T on the plus strand (G>A on the coding strand, the complement: SLC7A14 is on the minus strand). VCF-style: chr3-170526678-C-T. GRCh37 (hg19) VCF-style: chr3-170244467-C-T.
Other names: short protein forms V87I.
Identifiers: ClinVar variation 1020886 (VCV001020886.8), dbSNP rs760218785, ClinGen allele CA2701987.

ClinVar aggregate classification (germline): Uncertain significance (1 of 4 stars; one submission).

Allele frequency attached by ClinVar (database versions not stated): gnomAD exomes below 0.00001; ExAC 0.00001; TOPMed 0.00002.
gnomAD v4.1: 2 of 1,614,228 alleles (0.00012%); highest among the groups gnomAD compares: Admixed American, 0.0017%; no homozygotes.

Submission:

Labcorp Genetics (formerly Invitae), Labcorp
Classification: Uncertain significance. Last evaluated: 2021-12-22. Review status: criteria provided, single submitter. Criteria: Invitae Variant Classification Sherloc (09022015). Collection method: clinical testing. Allele origin: germline.
Comment: ClinVar contains an entry for this variant (Variation ID: 1020886). In summary, the available evidence is currently insufficient to determine the role of this variant in disease. Therefore, it has been classified as a Variant of Uncertain Significance. Algorithms developed to predict the effect of missense changes on protein structure and function are either unavailable or do not agree on the potential impact of this missense change (SIFT: "Tolerated"; PolyPhen-2: "Probably Damaging"; Align-GVGD: "Class C0"). This variant has not been reported in the literature in individuals affected with SLC7A14-related conditions. This variant is present in population databases (rs760218785, gnomAD 0.003%). This sequence change replaces valine, which is neutral and non-polar, with isoleucine, which is neutral and non-polar, at codon 87 of the SLC7A14 protein (p.Val87Ile).